The following is an entry in ClinVar:

ClinVar aggregate classification (germline): Pathogenic. Review status: reviewed by expert panel (3 of 4 stars). 9 submissions from 9 submitters: Pathogenic (1). 8 of the submissions do not count toward it. Last evaluated 2016-09-08.

Conditions:
Hereditary cancer-predisposing syndrome. Also called: Neoplastic Syndromes, Hereditary; Tumor predisposition; Hereditary neoplastic syndrome; Hereditary Cancer Syndrome. Identifiers: Orphanet 140162, MedGen C0027672, MeSH D009386, MONDO:0015356.
Hereditary breast ovarian cancer syndrome. Also called: Hereditary breast and ovarian cancer syndrome; Hereditary breast and ovarian cancer; Hereditary breast and ovarian cancer syndrome (HBOC); Breast and ovarian cancer; Hereditary breast and/or ovarian cancer syndrome; BRCA1- and BRCA2-Associated Hereditary Breast and Ovarian Cancer. Identifiers: Orphanet 145, MedGen C0677776, MeSH D061325, MONDO:0003582. Disease mechanism: loss of function.
Breast carcinoma. Also called: Carcinoma of breast. Identifiers: MedGen C0678222, MONDO:0004989, HP:0003002.
Breast-ovarian cancer, familial, susceptibility to, 2 (BROVCA2). Also called: BRCA2 Hereditary Breast and Ovarian Cancer. Identifiers: Orphanet 145, MedGen C2675520, MONDO:0012933, OMIM 612555. Disease mechanism: loss of function.

Submissions (9):

Evidence-based Network for the Interpretation of Germline Mutant Alleles (ENIGMA)
Classification: Pathogenic for Breast-ovarian cancer, familial, susceptibility to, 2. Last evaluated: 2016-09-08. Review status: reviewed by expert panel. Criteria: ENIGMA BRCA1/2 Classification Criteria (2015). Collection method: curation. Allele origin: germline.
Comment: Variant allele predicted to encode a truncated non-functional protein.

GeneKor MSA
Classification: Pathogenic for Hereditary breast ovarian cancer syndrome. Last evaluated: 2025-06-25. Review status: criteria provided, single submitter. Criteria: ACMG Guidelines, 2015. Collection method: clinical testing. Allele origin: germline. Affected: yes. Not counted in ClinVar's aggregate classification.
Comment: This variant changes 1 nucleotide in exon 19 of the BRCA2 gene, creating a premature translation stop signal. This is a single base substitution, replacing Tryptophane with a Termination codon in the BRCA2 gene, p.(Trp2788*). This results in the production of a truncated, non-functional protein. Loss-of-function variants in BRCA2 are known to be pathogenic (PMID:20104584). This alteration is not present in population databases (rs397507981). The mutation database Clinvar contains entries for this variant where it is listed as pathogenic (VCV000052566.95). Based on the classification criteria set by the ACMG and AMP (PMID:25741868) this variant has been classified as pathogenic.

Department of Human Genetics, Hannover Medical School
Classification: Pathogenic for Breast-ovarian cancer, familial, susceptibility to, 2. Last evaluated: 2024-12-18. Review status: criteria provided, single submitter. Criteria: ACMG Guidelines, 2015. Collection method: clinical testing. Allele origin: germline. Affected: yes. Not counted in ClinVar's aggregate classification.
Comment: PVS1, PM2_Supporting, PM5_Strong

Ambry Genetics
Classification: Pathogenic for Hereditary cancer-predisposing syndrome. Last evaluated: 2024-09-09. Review status: criteria provided, single submitter. Criteria: Ambry Variant Classification Scheme 2023. Collection method: clinical testing. Allele origin: germline. Not counted in ClinVar's aggregate classification.
Comment: The c.8395delA pathogenic mutation, located in coding exon 18 of the BRCA2 gene, results from a deletion of one nucleotide at nucleotide position 8395, causing a translational frameshift with a predicted alternate stop codon (p.R2799Dfs*22). This variant was reported in multiple breast and prostate cancer cohorts (Patel VL et al. Cancer Res, 2020 Feb;80:624-638; Yildiz Tacar S et al. Life Sci, 2020 Nov;261:118334; Akcay IM et al. Int J Cancer, 2021 Jan;148:285-295; Ercoskun P et al. Mol Syndromol, 2022 Feb;13:123-131). This variant is considered to be rare based on population cohorts in the Genome Aggregation Database (gnomAD). In addition to the clinical data presented in the literature, this alteration is expected to result in loss of function by premature protein truncation or nonsense-mediated mRNA decay. As such, this alteration is interpreted as a disease-causing mutation.

Color Diagnostics, LLC DBA Color Health
Classification: Pathogenic for Hereditary cancer-predisposing syndrome. Last evaluated: 2020-05-21. Review status: criteria provided, single submitter. Criteria: ACMG Guidelines, 2015. Collection method: clinical testing. Allele origin: germline. Not counted in ClinVar's aggregate classification.
Comment: This variant deletes 1 nucleotide in exon 19 of the BRCA2 gene, creating a frameshift and premature translation stop signal. This variant is expected to result in an absent or non-functional protein product. To our knowledge, this variant has not been reported in individuals affected with hereditary cancer in the literature. This variant has not been identified in the general population by the Genome Aggregation Database (gnomAD). Loss of BRCA2 function is a known mechanism of disease. Based on the available evidence, this variant is classified as Pathogenic.

Genomic Research Center, Shahid Beheshti University of Medical Sciences
Classification: Pathogenic for Breast-ovarian cancer, familial 2. Last evaluated: 2020-05-03. Review status: criteria provided, single submitter. Criteria: ACMG Guidelines, 2015. Collection method: clinical testing. Allele origin: unknown. Affected: yes. Not counted in ClinVar's aggregate classification.

Consortium of Investigators of Modifiers of BRCA1/2 (CIMBA), c/o University of Cambridge
Classification: Pathogenic for Breast-ovarian cancer, familial, susceptibility to, 2. Last evaluated: 2015-10-02. Review status: criteria provided, single submitter. Criteria: CIMBA Mutation Classification guidelines May 2016. Collection method: clinical testing. Allele origin: germline. Not counted in ClinVar's aggregate classification.

Medical Genetics Laboratory, Umraniye Training and Research Hospital, University of Health Sciences
Classification: Pathogenic for Breast carcinoma. Last evaluated: 2021-08-08. Review status: no assertion criteria provided. Collection method: clinical testing. Allele origin: germline. Inheritance: Autosomal dominant inheritance. Affected: yes. Observed: 1 variant allele, 1 heterozygote. Not counted in ClinVar's aggregate classification.

Breast Cancer Information Core (BIC) (BRCA2)
Classification: Pathogenic for Breast-ovarian cancer, familial 2. Last evaluated: 2001-02-16. Review status: no assertion criteria provided. Collection method: clinical testing. Allele origin: germline. Affected: yes. Observed: 1 variant allele. Not counted in ClinVar's aggregate classification.

Literature cited by the submitters: PubMed 20104584 (cited by GeneKor MSA); PubMed 31723001 (cited by Ambry Genetics); PubMed 32658311 (cited by Ambry Genetics); PubMed 32846166 (cited by Ambry Genetics); PubMed 35418818 (cited by Ambry Genetics).

NM_000059.4(BRCA2):c.8395del (p.Arg2799fs)

Gene: BRCA2 (BRCA2 DNA repair associated; plus strand). Cytogenetic location: 13q13.1.
Variant type: Deletion.
Coding change: c.8395del on transcript NM_000059.4 (MANE Select); coding-DNA position 8395, one base deleted (A; older notation c.8395delA).
Protein change: p.Arg2799fs; shifts the reading frame from arginine 2799.
Molecular consequence: frameshift variant.
Genome position (GRCh38, 1-based): chr13:32,370,465, A deleted. VCF-style (leftmost placement, unchanged base first): chr13-32370464-TA-T. GRCh37 (hg19) VCF-style: chr13-32944601-TA-T.
Other names: 8623delA; c.8395delA (NM_000059.3).
Identifiers: ClinVar variation 52574 (VCV000052574.15), dbSNP rs80359709, ClinGen allele CA025624.